The following is an entry in ClinVar:

ClinVar aggregate classification (germline): Likely benign (1 of 4 stars; one submission).

Allele frequency attached by ClinVar (database versions not stated): gnomAD exomes below 0.00001.
gnomAD v4.1: 1 of 1,530,552 alleles (0.000065%); highest among the groups gnomAD compares: Admixed American, 0.0019%; no homozygotes.

Submission:

GeneDx
Classification: Likely benign. Last evaluated: 2018-06-12. Review status: criteria provided, single submitter. Criteria: GeneDx Variant Classification (06012015). Collection method: clinical testing. Allele origin: germline. Affected: yes.
Comment: This variant is considered likely benign or benign based on one or more of the following criteria: it is a conservative change, it occurs at a poorly conserved position in the protein, it is predicted to be benign by multiple in silico algorithms, and/or has population frequency not consistent with disease.

NM_018433.6(KDM3A):c.453+5A>G

Gene: KDM3A (lysine demethylase 3A; plus strand). Cytogenetic location: 2p11.2.
Variant type: single nucleotide variant.
Coding change: c.453+5A>G on transcript NM_018433.6 (MANE Select); 5 bases into the intron after coding-DNA position 453, A replaced by G.
Molecular consequence: intron variant.
Genome position (GRCh38, 1-based): chr2:86,451,218, A>G. VCF-style: chr2-86451218-A-G. GRCh37 (hg19) VCF-style: chr2-86678341-A-G.
Other names: c.453+5A>G (NM_001146688.2).
Identifiers: ClinVar variation 669122 (VCV000669122.1), dbSNP rs1207228552, ClinGen allele CA534238935.